The following is an entry in ClinVar:

NM_004304.5(ALK):c.274G>T (p.Ala92Ser)

Gene: ALK (ALK receptor tyrosine kinase; minus strand). Cytogenetic location: 2p23.1.
Variant type: single nucleotide variant.
Coding change: c.274G>T on transcript NM_004304.5 (MANE Select); coding-DNA position 274, G replaced by T.
Protein change: p.Ala92Ser; replaces alanine 92 with serine.
Molecular consequence: missense variant.
Genome position (GRCh38, 1-based): chr2:29,920,386, C>A on the plus strand (G>T on the coding strand, the complement: ALK is on the minus strand). VCF-style: chr2-29920386-C-A. GRCh37 (hg19) VCF-style: chr2-30143252-C-A.
Other names: short protein forms A92S.
Identifiers: ClinVar variation 3626206 (VCV003626206.2).
Genomic context (GRCh38, chr2:29,920,386, plus strand): 5'-CGGTCCAGGAGACCCCCGGCGCCGGCCCCAGCAACCTGAGCAGCGGGGCGCAGTCCAGAG[C>A]TAGCGAGCCGCGGGCCTCGGGCCTGCCAGCCTTCAGCTCCGAGGAGGATGGTGGCAGCAG-3'
Protein context (NP_004295.2, residues 82-102): AGRPEARGSL[Ala92Ser]LDCAPLLRLL

ClinVar aggregate classification (germline): Uncertain significance (1 of 4 stars; one submission).

Conditions:
Neuroblastoma, susceptibility to, 3. Also called: ALK-Related Neuroblastic Tumor Susceptibility. Identifiers: Orphanet 635, MedGen C2751681, MONDO:0013083, OMIM 613014.

Submission:

Labcorp Genetics (formerly Invitae), Labcorp
Classification: Uncertain significance for Neuroblastoma, susceptibility to, 3. Last evaluated: 2024-10-30. Review status: criteria provided, single submitter. Criteria: Invitae Variant Classification Sherloc (09022015). Collection method: clinical testing. Allele origin: germline.
Comment: This sequence change replaces alanine, which is neutral and non-polar, with serine, which is neutral and polar, at codon 92 of the ALK protein (p.Ala92Ser). This variant is not present in population databases (gnomAD no frequency). This variant has not been reported in the literature in individuals affected with ALK-related conditions. An algorithm developed to predict the effect of missense changes on protein structure and function (PolyPhen-2) suggests that this variant is likely to be tolerated. In summary, the available evidence is currently insufficient to determine the role of this variant in disease. Therefore, it has been classified as a Variant of Uncertain Significance.